The following is an entry in ClinVar:

ClinVar aggregate classification (germline): Conflicting classifications of pathogenicity. Review status: criteria provided, conflicting classifications (1 of 4 stars). 3 submissions from 3 submitters: Uncertain significance (2); Likely benign (1). Last evaluated 2025-04-07.

Conditions:
Renal cell carcinoma. Identifiers: Orphanet 217071, MedGen C0007134, MeSH D002292, MONDO:0005086, HP:0005584.
Autosomal recessive nonsyndromic hearing loss 97. Also called: Deafness, autosomal recessive 97. Identifiers: Orphanet 90636, MedGen C4084709, MONDO:0014739, OMIM 616705.
Hereditary cancer-predisposing syndrome. Also called: Hereditary neoplastic syndrome; Tumor predisposition; Neoplastic Syndromes, Hereditary; Hereditary Cancer Syndrome. Identifiers: Orphanet 140162, MedGen C0027672, MeSH D009386, MONDO:0015356.

gnomAD v4.1: 2 of 1,612,872 alleles (0.00012%); highest among the groups gnomAD compares: South Asian, 0.0022%; no homozygotes.

Submissions (3):

Ambry Genetics
Classification: Likely benign for Hereditary cancer-predisposing syndrome. Last evaluated: 2025-04-07. Review status: criteria provided, single submitter. Criteria: Ambry Variant Classification Scheme 2023. Collection method: clinical testing. Allele origin: germline.

Labcorp Genetics (formerly Invitae), Labcorp
Classification: Uncertain significance for Renal cell carcinoma. Last evaluated: 2024-06-13. Review status: criteria provided, single submitter. Criteria: Invitae Variant Classification Sherloc (09022015). Collection method: clinical testing. Allele origin: germline.
Comment: This sequence change replaces histidine, which is basic and polar, with aspartic acid, which is acidic and polar, at codon 906 of the MET protein (p.His906Asp). This variant is present in population databases (no rsID available, gnomAD 0.006%). This variant has not been reported in the literature in individuals affected with MET-related conditions. ClinVar contains an entry for this variant (Variation ID: 1505421). Advanced modeling of protein sequence and biophysical properties (such as structural, functional, and spatial information, amino acid conservation, physicochemical variation, residue mobility, and thermodynamic stability) performed at Invitae indicates that this missense variant is not expected to disrupt MET protein function with a negative predictive value of 80%. In summary, the available evidence is currently insufficient to determine the role of this variant in disease. Therefore, it has been classified as a Variant of Uncertain Significance.

Baylor Genetics
Classification: Uncertain significance for Autosomal recessive nonsyndromic hearing loss 97. Last evaluated: 2023-08-13. Review status: criteria provided, single submitter. Criteria: ACMG Guidelines, 2015. Collection method: clinical testing. Allele origin: unknown.

NM_000245.4(MET):c.2662C>G (p.His888Asp)

Gene: MET (MET proto-oncogene, receptor tyrosine kinase; plus strand). Cytogenetic location: 7q31.2.
Variant type: single nucleotide variant.
Coding change: c.2662C>G on transcript NM_000245.4 (MANE Select); coding-DNA position 2662, C replaced by G.
Protein change: p.His888Asp; replaces histidine 888 with aspartic acid.
Molecular consequence: missense variant.
Genome position (GRCh38, 1-based): chr7:116,769,723, C>G. VCF-style: chr7-116769723-C-G. GRCh37 (hg19) VCF-style: chr7-116409777-C-G.
Other names: c.2716C>G, p.His906Asp (NM_001127500.3); c.2662C>G, p.His888Asp (NM_001324401.3); c.1372C>G, p.His458Asp (NM_001324402.2); c.2716C>G (NM_001127500.1); short protein forms H458D, H888D, H906D.
Identifiers: ClinVar variation 1505421 (VCV001505421.10), dbSNP rs115574135, ClinGen allele CA368985607.